The following is an entry in ClinVar:

ClinVar aggregate classification (germline): Uncertain significance (1 of 4 stars; one submission).

Submission:

Labcorp Genetics (formerly Invitae), Labcorp
Classification: Uncertain significance. Last evaluated: 2022-12-14. Review status: criteria provided, single submitter. Criteria: Invitae Variant Classification Sherloc (09022015). Collection method: clinical testing. Allele origin: germline.
Comment: In summary, the available evidence is currently insufficient to determine the role of this variant in disease. Therefore, it has been classified as a Variant of Uncertain Significance. Variants that disrupt the consensus splice site are a relatively common cause of aberrant splicing (PMID: 17576681, 9536098). Algorithms developed to predict the effect of sequence changes on RNA splicing suggest that this variant may disrupt the consensus splice site. Algorithms developed to predict the effect of missense changes on protein structure and function are either unavailable or do not agree on the potential impact of this missense change (SIFT: "Tolerated"; PolyPhen-2: "Probably Damaging"; Align-GVGD: "Class C0"). This missense change has been observed in individual(s) with choroideremia (PMID: 31181178). This variant is not present in population databases (gnomAD no frequency). This sequence change replaces glutamine, which is neutral and polar, with histidine, which is basic and polar, at codon 63 of the CHM protein (p.Gln63His). This variant also falls at the last nucleotide of exon 3, which is part of the consensus splice site for this exon.

Literature cited by the submitters: PubMed 17576681; PubMed 9536098; PubMed 31181178.

NM_000390.4(CHM):c.189G>C (p.Gln63His)

Gene: CHM (CHM Rab escort protein; minus strand). Cytogenetic location: Xq21.2.
Variant type: single nucleotide variant.
Coding change: c.189G>C on transcript NM_000390.4 (MANE Select); coding-DNA position 189, G replaced by C.
Protein change: p.Gln63His; replaces glutamine 63 with histidine.
Molecular consequence: missense variant. On other transcripts: 5 prime UTR variant (4).
Genome position (GRCh38, 1-based): chrX:85,981,737, C>G on the plus strand (G>C on the coding strand, the complement: CHM is on the minus strand). VCF-style: chrX-85981737-C-G. GRCh37 (hg19) VCF-style: chrX-85236741-C-G.
Other names: c.189G>C, p.Gln63His (NM_001145414.4); c.-256G>C (NM_001320959.1, NM_001362517.1); c.-252G>C (NM_001362518.2, NM_001362519.1); short protein forms Q63H.
Identifiers: ClinVar variation 2419214 (VCV002419214.6), dbSNP rs2520327443, ClinGen allele CA413788230.